The following is an entry in ClinVar:

NM_001283009.2(RTEL1):c.295C>G (p.Pro99Ala)

Genes: RTEL1 (regulator of telomere elongation helicase 1; plus strand), RTEL1-TNFRSF6B (RTEL1-TNFRSF6B readthrough (NMD candidate); plus strand). Cytogenetic location: 20q13.33.
Variant type: single nucleotide variant.
Coding change: c.295C>G on transcript NM_001283009.2 (MANE Select); coding-DNA position 295, C replaced by G.
Protein change: p.Pro99Ala; replaces proline 99 with alanine.
Molecular consequence: missense variant. On other transcripts: non-coding transcript variant (1), 5 prime UTR variant (1).
Genome position (GRCh38, 1-based): chr20:63,661,490, C>G. VCF-style: chr20-63661490-C-G. GRCh37 (hg19) VCF-style: chr20-62292843-C-G.
Other names: c.-375C>G (NM_001283010.1); c.295C>G, p.Pro99Ala (NM_016434.4, NM_032957.5); short protein forms P99A.
Identifiers: ClinVar variation 3436004 (VCV003436004.1).

ClinVar aggregate classification (germline): Uncertain significance (1 of 4 stars; one submission).

Conditions:
Inborn genetic diseases. Identifiers: MedGen C0950123, MeSH D030342.

gnomAD v4.1: 3 of 1,610,162 alleles (0.00019%); highest among the groups gnomAD compares: Middle Eastern, 0.016%; no homozygotes.

Submission:

Ambry Genetics
Classification: Uncertain significance for Inborn genetic diseases. Last evaluated: 2024-11-30. Review status: criteria provided, single submitter. Criteria: Ambry Variant Classification Scheme 2023. Collection method: clinical testing. Allele origin: germline.
Comment: The p.P99A variant (also known as c.295C>G), located in coding exon 2 of the RTEL1 gene, results from a C to G substitution at nucleotide position 295. The proline at codon 99 is replaced by alanine, an amino acid with highly similar properties. This amino acid position is conserved. In addition, this alteration is predicted to be tolerated by in silico analysis. Based on the available evidence, the clinical significance of this variant remains unclear.